The following is an entry in ClinVar:

NM_005896.4(IDH1):c.647T>C (p.Leu216Pro)

Gene: IDH1 (isocitrate dehydrogenase (NADP(+)) 1; minus strand). Cytogenetic location: 2q34.
Variant type: single nucleotide variant.
Coding change: c.647T>C on transcript NM_005896.4 (MANE Select); coding-DNA position 647, T replaced by C.
Protein change: p.Leu216Pro; replaces leucine 216 with proline.
Molecular consequence: missense variant.
Genome position (GRCh38, 1-based): chr2:208,243,478, A>G on the plus strand (T>C on the coding strand, the complement: IDH1 is on the minus strand). VCF-style: chr2-208243478-A-G. GRCh37 (hg19) VCF-style: chr2-209108202-A-G.
Other names: c.647T>C, p.Leu216Pro (NM_001282386.1, NM_001282387.1); short protein forms L216P.
Identifiers: ClinVar variation 1753757 (VCV001753757.2), dbSNP rs1687958210, ClinGen allele CA350098985.

ClinVar aggregate classification (germline): Uncertain significance (1 of 4 stars; one submission).

Submission:

Ambry Genetics
Classification: Uncertain significance. Last evaluated: 2021-07-15. Review status: criteria provided, single submitter. Criteria: Ambry Variant Classification Scheme 2023. Collection method: clinical testing. Allele origin: germline.
Comment: The p.L216P variant (also known as c.647T>C), located in coding exon 4 of the IDH1 gene, results from a T to C substitution at nucleotide position 647. The leucine at codon 216 is replaced by proline, an amino acid with similar properties. This amino acid position is conserved. In addition, this alteration is predicted to be deleterious by in silico analysis. Since supporting evidence is limited at this time, the clinical significance of this alteration remains unclear.